The following is an entry in ClinVar:

NM_000090.4(COL3A1):c.3209C>G (p.Ala1070Gly)

Gene: COL3A1 (collagen type III alpha 1 chain; plus strand). Cytogenetic location: 2q32.2.
Variant type: single nucleotide variant.
Coding change: c.3209C>G on transcript NM_000090.4 (MANE Select); coding-DNA position 3209, C replaced by G.
Protein change: p.Ala1070Gly; replaces alanine 1070 with glycine.
Molecular consequence: missense variant.
Genome position (GRCh38, 1-based): chr2:189,006,944, C>G. VCF-style: chr2-189006944-C-G. GRCh37 (hg19) VCF-style: chr2-189871670-C-G.
Other names: short protein forms A1070G.
Identifiers: ClinVar variation 1708896 (VCV001708896.10), dbSNP rs1688598377, ClinGen allele CA349845242.

ClinVar aggregate classification (germline): Uncertain significance. Review status: criteria provided, multiple submitters, no conflicts (2 of 4 stars). 2 submissions from 2 submitters: Uncertain significance (2). Last evaluated 2023-07-21.

Conditions:
Ehlers-Danlos syndrome, type 4 (EDSVASC). Also called: Ehlers-Danlos syndrome vascular type; Ehlers Danlos syndrome, ecchymotic type; Ehlers Danlos syndrome, arterial type; Ehlers Danlos syndrome, Sack-Barabas type; Ehlers-Danlos Syndrome Type IV. Identifiers: Orphanet 286, MedGen C0268338, MONDO:0017314, OMIM 130050.

Allele frequency attached by ClinVar (database versions not stated): gnomAD 0.00001; TOPMed 0.00001.
gnomAD v4.1: 2 of 1,613,028 alleles (0.00012%); highest among the groups gnomAD compares: African/African-American, 0.0013%; no homozygotes.

Submissions (2):

Labcorp Genetics (formerly Invitae), Labcorp
Classification: Uncertain significance for Ehlers-Danlos syndrome, type 4. Last evaluated: 2023-07-21. Review status: criteria provided, single submitter. Criteria: Invitae Variant Classification Sherloc (09022015). Collection method: clinical testing. Allele origin: germline.
Comment: This variant has not been reported in the literature in individuals affected with COL3A1-related conditions. This sequence change replaces alanine, which is neutral and non-polar, with glycine, which is neutral and non-polar, at codon 1070 of the COL3A1 protein (p.Ala1070Gly). This variant is not present in population databases (gnomAD no frequency). ClinVar contains an entry for this variant (Variation ID: 1708896). Advanced modeling of protein sequence and biophysical properties (such as structural, functional, and spatial information, amino acid conservation, physicochemical variation, residue mobility, and thermodynamic stability) performed at Invitae indicates that this missense variant is not expected to disrupt COL3A1 protein function. In summary, the available evidence is currently insufficient to determine the role of this variant in disease. Therefore, it has been classified as a Variant of Uncertain Significance.

GeneDx
Classification: Uncertain significance. Last evaluated: 2022-04-06. Review status: criteria provided, single submitter. Criteria: GeneDx Variant Classification Process June 2021. Collection method: clinical testing. Allele origin: germline. Affected: yes.
Comment: Has not been previously published as pathogenic or benign to our knowledge; Not observed at significant frequency in large population cohorts (gnomAD); In silico analysis supports that this missense variant does not alter protein structure/function; Occurs in the triple helical domain at the Y position in the canonical Gly-X-Y repeat; although this variant may have an effect on normal protein folding and function, missense substitution at the Y position is not a common mechanism of disease (Stenson et al., 2014)